The following is an entry in ClinVar:

ClinVar aggregate classification (germline): Likely benign. Review status: criteria provided, multiple submitters, no conflicts (2 of 4 stars). 3 submissions from 3 submitters: Likely benign (3). Last evaluated 2026-01-26.

Submissions (3):

Labcorp Genetics (formerly Invitae), Labcorp
Classification: Likely benign. Last evaluated: 2026-01-26. Review status: criteria provided, single submitter. Criteria: Invitae Variant Classification Sherloc (09022015). Collection method: clinical testing. Allele origin: germline.

CeGaT Center for Human Genetics Tuebingen
Classification: Likely benign. Last evaluated: 2025-03-01. Review status: criteria provided, single submitter. Criteria: CeGaT Center For Human Genetics Tuebingen Variant Classification Criteria Version 2. Collection method: clinical testing. Allele origin: germline. Affected: yes. Observed: 2 variant alleles.
Comment: PCLO: BP4, BS2

Blueprint Genetics
Classification: Likely benign. Last evaluated: 2022-05-03. Review status: criteria provided, single submitter. Criteria: ACMG Guidelines, 2015. Collection method: clinical testing. Allele origin: germline.

NM_033026.6(PCLO):c.3300+7_3300+8insTTTATATATATATATATATATATATA

Gene: PCLO (piccolo presynaptic cytomatrix protein; minus strand). Cytogenetic location: 7q21.11.
Variant type: Insertion.
Coding change: c.3300+7_3300+8insTTTATATATATATATATATATATATA on transcript NM_033026.6 (MANE Select); bases 7 to 8 of the intron after coding-DNA position 3300, TTTATATATATATATATATATATATA inserted.
Molecular consequence: intron variant.
Genome position: GRCh38 VCF-style: chr7-83134242-T-TATATATATATATATATATATATATAA. GRCh37 (hg19) VCF-style: chr7-82763558-T-TATATATATATATATATATATATATAA.
Other names: c.3300+7_3300+8insTTTATATATATATATATATATATATA (NM_014510.3).
Identifiers: ClinVar variation 713970 (VCV000713970.23), dbSNP rs746054139, ClinGen allele CA576266850.
Genomic context (GRCh38, chr7:83,134,242, plus strand): 5'-GTTTCAAAATAAACCCACAGACTCACCTCCATATGTAATATATATATATATATATATATA[T>TATATATATATATATATATATATATAA]AACTTACCTCAGTCAAATGTGGTGTAGGGTTAAATCCACAGAGATTACACACTTGATTCT-3'